The following is an entry in ClinVar:

NM_001851.6(COL9A1):c.1764+273A>T

Gene: COL9A1 (collagen type IX alpha 1 chain; minus strand). Cytogenetic location: 6q13.
Variant type: single nucleotide variant.
Coding change: c.1764+273A>T on transcript NM_001851.6 (MANE Select); 273 bases into the intron after coding-DNA position 1764, A replaced by T.
Molecular consequence: intron variant.
Genome position (GRCh38, 1-based): chr6:70,253,112, T>A on the plus strand (A>T on the coding strand, the complement: COL9A1 is on the minus strand). VCF-style: chr6-70253112-T-A. GRCh37 (hg19) VCF-style: chr6-70962815-T-A.
Other names: c.1035+273A>T (NM_001377290.1, NM_078485.4); c.1065+273A>T (NM_001377289.1).
Identifiers: ClinVar variation 669413 (VCV000669413.1), dbSNP rs75073449, ClinGen allele CA140868078.

ClinVar aggregate classification (germline): Likely benign (1 of 4 stars; one submission).

Allele frequency attached by ClinVar (database versions not stated): 1000 Genomes Project 0.01857; 1000 Genomes Project 30x 0.01874; gnomAD 0.02624 and 0.02662; TOPMed 0.02724; gnomAD exomes 0.03050.
gnomAD v4.1: 9,666 of 336,134 alleles (2.9%); highest among the groups gnomAD compares: Middle Eastern, 4.1%; 180 homozygotes.

Submission:

GeneDx
Classification: Likely benign. Last evaluated: 2018-06-14. Review status: criteria provided, single submitter. Criteria: GeneDx Variant Classification (06012015). Collection method: clinical testing. Allele origin: germline. Affected: yes.
Comment: This variant is considered likely benign or benign based on one or more of the following criteria: it is a conservative change, it occurs at a poorly conserved position in the protein, it is predicted to be benign by multiple in silico algorithms, and/or has population frequency not consistent with disease.